The following is an entry in ClinVar:

ClinVar aggregate classification (germline): Pathogenic (1 of 4 stars; one submission).

Submission:

GeneDx
Classification: Pathogenic. Last evaluated: 2024-10-16. Review status: criteria provided, single submitter. Criteria: GeneDx Variant Classification Process June 2021. Collection method: clinical testing. Allele origin: germline. Affected: yes.
Comment: Canonical splice site variant predicted to result in a null allele in a gene for which loss of function is a known mechanism of disease; Not observed at significant frequency in large population cohorts (gnomAD); This variant is associated with the following publications: (PMID: 31785789, 28135719, 35982159, 33057194)

NM_001083962.2(TCF4):c.1880-1G>A

Gene: TCF4 (transcription factor 4; minus strand). Cytogenetic location: 18q21.2.
Variant type: single nucleotide variant.
Coding change: c.1880-1G>A on transcript NM_001083962.2 (MANE Select); the canonical splice acceptor site of the intron before coding-DNA position 1880, G replaced by A.
Molecular consequence: splice acceptor variant.
Genome position (GRCh38, 1-based): chr18:55,228,362, C>T on the plus strand (G>A on the coding strand, the complement: TCF4 is on the minus strand). VCF-style: chr18-55228362-C-T. GRCh37 (hg19) VCF-style: chr18-52895593-C-T.
Other names: c.2186-1G>A (NM_001243226.3); c.1793-1G>A (NM_001369584.1, NM_001369585.1, NM_001348220.1); c.1805-1G>A (NM_001369576.1, NM_001369577.1, NM_001369578.1 and 3 more transcripts); c.1796-1G>A (NM_001369582.1, NM_001369583.1, NM_001348219.2 and 1 more transcripts); c.1808-1G>A (NM_001243227.2, NM_001369575.1, NM_001348218.2 and 1 more transcripts); c.1811-1G>A (NM_001369586.1); c.1868-1G>A (NM_001369571.1, NM_001369572.1, NM_003199.3); c.1880-1G>A (NM_001369567.1, NM_001369568.1); and 14 more.
Identifiers: ClinVar variation 3780985 (VCV003780985.1).